The following is an entry in ClinVar:

NM_001999.4(FBN2):c.6253C>G (p.Pro2085Ala)

Gene: FBN2 (fibrillin 2; minus strand). Cytogenetic location: 5q23.3.
Variant type: single nucleotide variant.
Coding change: c.6253C>G on transcript NM_001999.4 (MANE Select); coding-DNA position 6253, C replaced by G.
Protein change: p.Pro2085Ala; replaces proline 2085 with alanine.
Molecular consequence: missense variant.
Genome position (GRCh38, 1-based): chr5:128,291,568, G>C on the plus strand (C>G on the coding strand, the complement: FBN2 is on the minus strand). VCF-style: chr5-128291568-G-C. GRCh37 (hg19) VCF-style: chr5-127627260-G-C.
Other names: short protein forms P2085A.
Identifiers: ClinVar variation 213344 (VCV000213344.34), dbSNP rs34845843, ClinGen allele CA320614.

ClinVar aggregate classification (germline): Benign/Likely benign. Review status: criteria provided, multiple submitters, no conflicts (2 of 4 stars). 9 submissions from 9 submitters: Benign (1); Likely benign (7). 1 of the submissions does not count toward it. Last evaluated 2026-01-11.

Conditions:
FBN2-related disorder. Also called: FBN2-related condition.
Familial thoracic aortic aneurysm and aortic dissection (TAAD). Also called: Thoracic aortic aneurysms and dissections. Identifiers: Orphanet 91387, MedGen C4707243, MONDO:0019625.
Congenital contractural arachnodactyly (CCA). Also called: BEALS SYNDROME; Beals-Hecht syndrome; Arthrogryposis, distal, type 9. Identifiers: Orphanet 115, MedGen C0220668, MONDO:0007363, OMIM 121050.

Allele frequency attached by ClinVar (database versions not stated): ExAC 0.00017; gnomAD 0.00018; TOPMed 0.00018; ESP Exome Variant Server 0.00023.
gnomAD v4.1: 244 of 1,613,962 alleles (0.015%); highest among the groups gnomAD compares: Middle Eastern, 0.16%; 2 homozygotes.

Submissions (9):

Labcorp Genetics (formerly Invitae), Labcorp
Classification: Benign for Congenital contractural arachnodactyly. Last evaluated: 2026-01-11. Review status: criteria provided, single submitter. Criteria: Invitae Variant Classification Sherloc (09022015). Collection method: clinical testing. Allele origin: germline.

Blueprint Genetics
Classification: Likely benign. Last evaluated: 2024-11-23. Review status: criteria provided, single submitter. Criteria: ACMG Guidelines, 2015. Collection method: clinical testing. Allele origin: germline.

Women's Health and Genetics/Laboratory Corporation of America, LabCorp
Classification: Likely benign. Last evaluated: 2024-07-08. Review status: criteria provided, single submitter. Criteria: LabCorp Variant Classification Summary - May 2015. Collection method: clinical testing. Allele origin: germline.

ARUP Laboratories, Molecular Genetics and Genomics, ARUP Laboratories
Classification: Likely benign. Last evaluated: 2023-09-13. Review status: criteria provided, single submitter. Criteria: ARUP Molecular Germline Variant Investigation Process 2024. Collection method: clinical testing. Allele origin: germline.

GeneDx
Classification: Likely benign. Last evaluated: 2020-01-24. Review status: criteria provided, single submitter. Criteria: GeneDx Variant Classification Process June 2021. Collection method: clinical testing. Allele origin: germline. Affected: yes.
Comment: Has not been previously published as pathogenic or benign to our knowledge; In silico analysis, which includes protein predictors and evolutionary conservation, supports a deleterious effect; Although located in a calcium-binding EGF-like domain of the FBN2 gene, it does not affect a cysteine residue within this domain; cysteine substitutions in the calcium-binding EGF-like domains represent the majority of pathogenic missense changes associated with FBN2 related disorders (Collod-Beroud et al., 2003; Frederic et al., 2009); Reported in ClinVar (ClinVar Variant ID# 213344; Landrum et al., 2016); This variant is associated with the following publications: (PMID: 24833718)

Ambry Genetics
Classification: Likely benign for Familial thoracic aortic aneurysm and aortic dissection. Last evaluated: 2018-12-31. Review status: criteria provided, single submitter. Criteria: Ambry Variant Classification Scheme 2023. Collection method: clinical testing. Allele origin: germline.

Illumina Laboratory Services, Illumina
Classification: Likely benign for Congenital contractural arachnodactyly. Last evaluated: 2018-01-13. Review status: criteria provided, single submitter. Criteria: ICSL Variant Classification Criteria 13 December 2019. Collection method: clinical testing. Allele origin: germline.
Comment: This variant was observed in the ICSL laboratory as part of a predisposition screen in an ostensibly healthy population. It had not been previously curated by ICSL or reported in the Human Gene Mutation Database (HGMD: prior to June 1st, 2018), and was therefore a candidate for classification through an automated scoring system. Utilizing variant allele frequency, disease prevalence and penetrance estimates, and inheritance mode, an automated score was calculated to assess if this variant is too frequent to cause the disease. Based on the score and internal cut-off values, a variant classified as likely benign is not then subjected to further curation. The score for this variant resulted in a classification of likely benign for this disease.

Breakthrough Genomics
Classification: Likely benign. Review status: criteria provided, single submitter. Criteria: ACMG Guidelines, 2015. Collection method: not provided. Allele origin: germline. Inheritance: Autosomal dominant inheritance. Affected: yes.

PreventionGenetics, part of Exact Sciences
Classification: Likely benign for FBN2-related condition. Last evaluated: 2020-08-26. Review status: no assertion criteria provided. Collection method: clinical testing. Allele origin: germline. Not counted in ClinVar's aggregate classification.
Comment: This variant is classified as likely benign based on ACMG/AMP sequence variant interpretation guidelines (Richards et al. 2015 PMID: 25741868, with internal and published modifications).